The following is an entry in ClinVar:

ClinVar aggregate classification (germline): Uncertain significance (1 of 4 stars; one submission).

Conditions:
Epidermodysplasia verruciformis. Identifiers: Orphanet 302, MedGen C0014522, MONDO:0009176.

gnomAD v4.1: 13 of 1,613,922 alleles (0.00081%); highest among the groups gnomAD compares: Admixed American, 0.012%; no homozygotes.

Submission:

Labcorp Genetics (formerly Invitae), Labcorp
Classification: Uncertain significance for Epidermodysplasia verruciformis. Last evaluated: 2024-12-17. Review status: criteria provided, single submitter. Criteria: Invitae Variant Classification Sherloc (09022015). Collection method: clinical testing. Allele origin: germline.
Comment: This sequence change replaces aspartic acid, which is acidic and polar, with histidine, which is basic and polar, at codon 561 of the TMC8 protein (p.Asp561His). This variant is present in population databases (rs532569131, gnomAD 0.01%). This variant has not been reported in the literature in individuals affected with TMC8-related conditions. Invitae Evidence Modeling of protein sequence and biophysical properties (such as structural, functional, and spatial information, amino acid conservation, physicochemical variation, residue mobility, and thermodynamic stability) indicates that this missense variant is not expected to disrupt TMC8 protein function with a negative predictive value of 80%. In summary, the available evidence is currently insufficient to determine the role of this variant in disease. Therefore, it has been classified as a Variant of Uncertain Significance.

NM_152468.5(TMC8):c.1681G>C (p.Asp561His)

Gene: TMC8 (transmembrane channel like 8; plus strand). Cytogenetic location: 17q25.3.
Variant type: single nucleotide variant.
Coding change: c.1681G>C on transcript NM_152468.5 (MANE Select); coding-DNA position 1681, G replaced by C.
Protein change: p.Asp561His; replaces aspartic acid 561 with histidine.
Molecular consequence: missense variant.
Genome position (GRCh38, 1-based): chr17:78,138,590, G>C. VCF-style: chr17-78138590-G-C. GRCh37 (hg19) VCF-style: chr17-76134671-G-C.
Other names: short protein forms D561H.
Identifiers: ClinVar variation 3730688 (VCV003730688.1).